The following is an entry in ClinVar:

NM_032043.3(BRIP1):c.590C>A (p.Ser197Tyr)

Gene: BRIP1 (BRCA1 interacting DNA helicase 1; minus strand). Cytogenetic location: 17q23.2.
Variant type: single nucleotide variant.
Coding change: c.590C>A on transcript NM_032043.3 (MANE Select); coding-DNA position 590, C replaced by A.
Protein change: p.Ser197Tyr; replaces serine 197 with tyrosine.
Molecular consequence: missense variant.
Genome position (GRCh38, 1-based): chr17:61,847,138, G>T on the plus strand (C>A on the coding strand, the complement: BRIP1 is on the minus strand). VCF-style: chr17-61847138-G-T. GRCh37 (hg19) VCF-style: chr17-59924499-G-T.
Other names: short protein forms S197Y.
Identifiers: ClinVar variation 229761 (VCV000229761.21), dbSNP rs533184563, ClinGen allele CA10580868.
Genomic context (GRCh38, chr17:61,847,138, plus strand): 5'-TGAACAATGGCATTAATACATACTTTCTGTGGCGAAAAGGAGTTTATCTTTTCCAGTGGA[G>T]AGTTGAGTTTTACAGTCTTTCCTGAATCAACTTTTGCATCCAAATTGTGTACTTCTGTTC-3'
Protein context (NP_114432.2, residues 187-207): VDSGKTVKLN[Ser197Tyr]PLEKINSFSP

ClinVar aggregate classification (germline): Uncertain significance. Review status: criteria provided, multiple submitters, no conflicts (2 of 4 stars). 5 submissions from 5 submitters: Uncertain significance (4). 1 of the submissions does not count toward it. Last evaluated 2025-08-12.

Conditions:
BRIP1-related disorder. Also called: BRIP1-related condition; BRIP1-related disorders. Identifiers: MedGen CN239206.
Fanconi anemia complementation group J. Also called: BRIP1-Related Fanconi Anemia. Identifiers: Orphanet 84, MedGen C1836860, MONDO:0012187, OMIM 609054.
Familial cancer of breast. Also called: Hereditary breast cancer; hereditary breast carcinoma; BREAST CANCER, FAMILIAL. Identifiers: Orphanet 227535, MedGen C0346153, MONDO:0016419, OMIM 114480. Disease mechanism: loss of function.
Hereditary cancer-predisposing syndrome. Also called: Hereditary Cancer Syndrome; Neoplastic Syndromes, Hereditary; Tumor predisposition; Hereditary neoplastic syndrome. Identifiers: Orphanet 140162, MedGen C0027672, MeSH D009386, MONDO:0015356.

gnomAD v4.1: 8 of 1,613,752 alleles (0.0005%); highest among the groups gnomAD compares: Non-Finnish European, 0.00068%; no homozygotes.

Submissions (5):

Ambry Genetics
Classification: Uncertain significance for Hereditary cancer-predisposing syndrome. Last evaluated: 2025-08-12. Review status: criteria provided, single submitter. Criteria: Ambry Variant Classification Scheme 2023. Collection method: clinical testing. Allele origin: germline.
Comment: The p.S197Y variant (also known as c.590C>A), located in coding exon 5 of the BRIP1 gene, results from a C to A substitution at nucleotide position 590. The serine at codon 197 is replaced by tyrosine, an amino acid with dissimilar properties. This alteration was observed as homozygous in 1/13,213 individuals with a personal history of breast cancer and as heterozygous in 1/5,242 controls (Easton DF et al. J Med Genet, 2016 05;53:298-309). This amino acid position is well conserved in available vertebrate species. In addition, the in silico prediction for this alteration is inconclusive. Since supporting evidence is limited at this time, the clinical significance of this alteration remains unclear.

Labcorp Genetics (formerly Invitae), Labcorp
Classification: Uncertain significance for Familial cancer of breast; Fanconi anemia complementation group J. Last evaluated: 2025-07-15. Review status: criteria provided, single submitter. Criteria: Invitae Variant Classification Sherloc (09022015). Collection method: clinical testing. Allele origin: germline.
Comment: This sequence change replaces serine, which is neutral and polar, with tyrosine, which is neutral and polar, at codon 197 of the BRIP1 protein (p.Ser197Tyr). This variant is not present in population databases (gnomAD no frequency). This variant has not been reported in the literature in individuals affected with BRIP1-related conditions. ClinVar contains an entry for this variant (Variation ID: 229761). Invitae Evidence Modeling of protein sequence and biophysical properties (such as structural, functional, and spatial information, amino acid conservation, physicochemical variation, residue mobility, and thermodynamic stability) indicates that this missense variant is not expected to disrupt BRIP1 protein function with a negative predictive value of 95%. In summary, the available evidence is currently insufficient to determine the role of this variant in disease. Therefore, it has been classified as a Variant of Uncertain Significance.

Baylor Genetics
Classification: Uncertain significance for Familial cancer of breast. Last evaluated: 2023-11-27. Review status: criteria provided, single submitter. Criteria: ACMG Guidelines, 2015. Collection method: clinical testing. Allele origin: unknown.

Color Diagnostics, LLC DBA Color Health
Classification: Uncertain significance for Hereditary cancer-predisposing syndrome. Last evaluated: 2019-11-18. Review status: criteria provided, single submitter. Criteria: ACMG Guidelines, 2015. Collection method: clinical testing. Allele origin: germline.
Comment: This missense variant replaces serine with tyrosine at codon 197 of the BRIP1 protein. Computational prediction suggests that this variant may not impact protein structure and function (internally defined REVEL score threshold <= 0.5, PMID: 27666373). Splice site prediction tools suggest that this variant may not impact RNA splicing. To our knowledge, functional studies have not been performed for this variant. This variant has been reported in the homozygous state in an individual affected with breast cancer and in the heterozygous state in an unaffected individual (PMID: 26921362). This variant has also been identified in 1/251352 chromosomes in the general population by the Genome Aggregation Database (gnomAD). The available evidence is insufficient to determine the role of this variant in disease conclusively. Therefore, this variant is classified as a Variant of Uncertain Significance.

PreventionGenetics, part of Exact Sciences
Classification: Uncertain significance for BRIP1-related condition. Last evaluated: 2024-04-23. Review status: no assertion criteria provided. Collection method: clinical testing. Allele origin: germline. Not counted in ClinVar's aggregate classification.
Comment: The BRIP1 c.590C>A variant is predicted to result in the amino acid substitution p.Ser197Tyr. To our knowledge, this variant has not been reported in the literature. This variant is reported in 0.00088% of alleles in individuals of European (Non-Finnish) descent in gnomAD and is reported as a variant of uncertain significance in ClinVar. At this time, the clinical significance of this variant is uncertain due to the absence of conclusive functional and genetic evidence.

Literature cited by the submitters: PubMed 26921362 (cited by Ambry Genetics).